The following continues an entry in ClinVar:

NM_000059.4(BRCA2):c.9382C>T (p.Arg3128Ter)

Gene: BRCA2. ClinVar aggregate classification (germline): Pathogenic. Pathogenic (1). ClinVar aggregate classification (somatic clinical impact): Tier II - Potential.

Submissions 10 to 20 of 61:

CeGaT Center for Human Genetics Tuebingen
Classification: Pathogenic. Last evaluated: 2025-06-01. Review status: criteria provided, single submitter. Criteria: CeGaT Center For Human Genetics Tuebingen Variant Classification Criteria Version 2. Collection method: clinical testing. Allele origin: germline. Affected: yes. Observed: 3 variant alleles. Not counted in ClinVar's aggregate classification.
Comment: BRCA2: PVS1, PS4:Moderate, PM2:Supporting

Center for Genomic Medicine, Rigshospitalet, Copenhagen University Hospital
Classification: Pathogenic. Last evaluated: 2025-03-04. Review status: criteria provided, single submitter. Criteria: ACMG Guidelines, 2015. Collection method: clinical testing. Allele origin: germline. Not counted in ClinVar's aggregate classification.

ARUP Laboratories, Molecular Genetics and Genomics, ARUP Laboratories
Classification: Pathogenic. Last evaluated: 2025-03-03. Review status: criteria provided, single submitter. Criteria: ARUP Molecular Germline Variant Investigation Process 2024. Collection method: clinical testing. Allele origin: germline. Not counted in ClinVar's aggregate classification.
Comment: The BRCA2 c.9382C>T; p.Arg3128Ter variant (rs80359212, ClinVar Variation ID: 52826) is reported in the literature in multiple individuals and families affected with breast, ovarian and/or prostate cancer (Alvarez 2017, Dominguez-Valentin 2018, Edwards 2010, Kwong 2016, Leongamornlert 2014, Peixoto 2015, Plaschke 2000, Rosenthal 2015, Simard 2007, Sugano 2008, Vogel 2007). This variant is found in the African/African-American population with an allele frequency of 0.020% (5/24,964 alleles) in the Genome Aggregation Database (v2.1.1). This variant induces an early termination codon and is predicted to result in a truncated protein or mRNA subject to nonsense-mediated decay. Based on available information, this variant is considered to be pathogenic. References: Alvarez C et al. BRCA1 and BRCA2 founder mutations account for 78% of germline carriers among hereditary breast cancer families in Chile. Oncotarget. 2017 Jun 29;8(43):74233-74243.Dominguez-Valentin M et al. Genetic variants of prospectively demonstrated phenocopies in BRCA1/2 kindreds. Hered Cancer Clin Pract. 2018 Jan 15;16:4. PMID: 29088781. Edwards SM et al. Prostate cancer in BRCA2 germline mutation carriers is associated with poorer prognosis. Br J Cancer. 2010 103(6):918-24. PMID: 20736950. Kwong A et al. Detection of Germline Mutation in Hereditary Breast and/or Ovarian Cancers by Next-Generation Sequencing on a Four-Gene Panel. J Mol Diagn. 2016 Jul;18(4):580-94. PMID: 27157322. Leongamornlert D et al. Frequent germline deleterious mutations in DNA repair genes in familial prostate cancer cases are associated with advanced disease. Br J Cancer. 2014 110(6):1663-72. PMID: 24556621. Peixoto A et al. The role of targeted BRCA1/BRCA2 mutation analysis in hereditary breast/ovarian cancer families of Portuguese ancestry. Clin Genet. 2015 Jul;88(1):41-8. PMID: 24916970. Plaschke J et al. BRCA2 germline mutations among early onset breast cancer patients unselected for family history of the disease. J Med Genet. 2000 37(9):E17. PMID: 10978364. Rosenthal E et al. Incidence of BRCA1 and BRCA2 non-founder mutations in patients of Ashkenazi Jewish ancestry. Breast Cancer Res Treat. 2015 Jan;149(1):223-7. PMID: 25476495. Simard J et al. Evaluation of BRCA1 and BRCA2 mutation prevalence, risk prediction models and a multistep testing approach in French-Canadian families with high risk of breast and ovarian cancer. J Med Genet. 2007 Feb;44(2):107-21. PMID: 16905680. Sugano K et al. Cross-sectional analysis of germline BRCA1 and BRCA2 mutations in Japanese patients suspected to have hereditary breast/ovarian cancer. Cancer Sci. 2008 Oct;99(10):1967-76. PMID: 19016756. Vogel KJ et al. BRCA1 and BRCA2 genetic testing in Hispanic patients: mutation prevalence and evaluation of the BRCAPRO risk assessment model. J Clin Oncol. 2007 Oct 10;25(29):4635-41. PMID: 17925560.

Color Diagnostics, LLC DBA Color Health
Classification: Pathogenic for Hereditary cancer-predisposing syndrome. Last evaluated: 2025-02-10. Review status: criteria provided, single submitter. Criteria: ACMG Guidelines, 2015. Collection method: clinical testing. Allele origin: germline. Not counted in ClinVar's aggregate classification.
Comment: This variant changes 1 nucleotide in exon 25 of the BRCA2 gene, creating a premature translation stop signal. Functional studies have reported that this variant impacted BRCA2 functions in cell proliferation and cisplatin and PARP inhibitor sensitivity assays (PMID: 37922907, 39779857). This variant has been reported in over a dozen individuals affected with breast and/or ovarian cancer (PMID: 10978364, 11400546, 16905680, 17925560, 24728189, 25452441, 28294317, 28477318, 29088781, 29339979, 29907814). This variant also has been reported in two breast cancer case-control studies in 3/7051 female cases and 1/11241 unaffected individuals (PMID: 30287823) and in 7/60466 cases and 1/53461 unaffected individuals (PMID: 33471991). A multifactorial analysis has reported a likelihood ratio for pathogenicity based on personal and family history of 1.696 from log(LR)=0.229409933 in 24 carriers (PMID: 31853058). This variant has been identified in 6/282750 chromosomes in the general population by the Genome Aggregation Database (gnomAD). Loss of BRCA2 function is a known mechanism of disease. Based on the available evidence, this variant is classified as Pathogenic.

Ambry Genetics
Classification: Pathogenic for Hereditary cancer-predisposing syndrome. Last evaluated: 2024-12-19. Review status: criteria provided, single submitter. Criteria: Ambry Variant Classification Scheme 2023. Collection method: clinical testing. Allele origin: germline. Not counted in ClinVar's aggregate classification.
Comment: The p.R3128* pathogenic mutation (also known as c.9382C>T), located in coding exon 24 of the BRCA2 gene, results from a C to T substitution at nucleotide position 9382. This changes the amino acid from an arginine to a stop codon within coding exon 24. This mutation has been observed in both early-onset breast cancer and early-onset prostate cancer cohorts, as well as in multiple families of various ethnicities with Hereditary Breast and Ovarian Cancer syndrome (Plaschke J et al. J. Med. Genet. 2000 Sep;37:E17; Edwards SM et al. Br. J. Cancer. 2010 Sep;103:918-24; Pal T et al. Cancer. 2015 Dec;121:4173-80; Zhong X et al. PLoS ONE. 2016 Jun;11:e0156789; Donenberg T et al. Breast Cancer Res. Treat. 2016 Aug;159:131-8; Fernandes GC et al. Oncotarget. 2016 Dec;7:80465-80481; Alvarez C et al. Oncotarget. 2017 Sep;8:74233-74243). In addition to Portuguese and Brazilian populations, this mutation has been reported to be frequent in HBOC patients of Madeira ancestry (Silva FC et al. BMC Med Genet. 2014 May;15:55; Peixoto A et al. Clin Genet. 2015 Jul; 88(1):41-8; Miguel I. et al. Ecancermedicalscience. 2012 Jul;15:1261). Of note, this alteration is also designated as 9610C>T in published literature. In addition to the clinical data presented in the literature, this alteration is expected to result in loss of function by premature protein truncation or nonsense-mediated mRNA decay. As such, this alteration is interpreted as a disease-causing mutation.

NHS Central & South Genomic Laboratory Hub
Classification: Pathogenic for NICE approved PARP inhibitor treatment. Last evaluated: 2024-11-11. Review status: criteria provided, single submitter. Criteria: ACMG Guidelines, 2015. Collection method: clinical testing. Allele origin: germline. Affected: yes. Not counted in ClinVar's aggregate classification.

All of Us Research Program, National Institutes of Health
Classification: Pathogenic for BRCA2-related cancer predisposition. Last evaluated: 2024-07-29. Review status: criteria provided, single submitter. Criteria: ACMG Guidelines, 2015. Collection method: clinical testing. Allele origin: germline. Inheritance: Autosomal dominant inheritance. Observed: 3 variant alleles, 3 heterozygotes. Not counted in ClinVar's aggregate classification.
Comment: The c.9382C>T (p.Arg3128*) variant in the BRCA2 gene is located on the exon 25 and introduce a premature translation termination codon (p.Arg3128*), resulting in an absent or disrupted protein product. The variant has been identified in multiple individuals with breast and/or ovarian cancer (PMID: 34567246, 29088781, 25476495, 36232564, 32438681, 29371908, 31325073). Loss-of-function variants of BRCA2 are known to be pathogenic (PMID: 29446198, 11897832, 8988179). The variant is reported in ClinVar as pathogenic (ID: 52826) and reviewed by the expert panel. The variant is rare in the general population according to gnomAD (6/282750). Therefore, the c.9382C>T (p.Arg3128*) variant of BRCA2 has been classified as pathogenic.

This study involves interpretation of variants in research participants for the purpose of population health screening. Participant phenotype was not available at the time of variant classification. Additional details can be found in publication PMID: 35346344, PMCID: PMC8962531

Department of Clinical Genetics, Copenhagen University Hospital, Rigshospitalet
Classification: Pathogenic for Breast-ovarian cancer, familial, susceptibility to, 2. Last evaluated: 2024-05-27. Review status: criteria provided, single submitter. Criteria: ACMG Guidelines, 2015. Collection method: clinical testing. Allele origin: germline. Affected: yes. Not counted in ClinVar's aggregate classification.
Comment: PVS1; PM5_PTC_Strong

Institute of Human Genetics, University of Leipzig Medical Center
Classification: Pathogenic for Familial cancer of breast. Last evaluated: 2024-05-21. Review status: criteria provided, single submitter. Criteria: ACMG Guidelines, 2015. Collection method: clinical testing. Allele origin: unknown. Inheritance: Autosomal dominant inheritance. Affected: yes. Not counted in ClinVar's aggregate classification.
Comment: Criteria applied: PVS1,PM5_STR

Fulgent Genetics
Classification: Pathogenic for Familial cancer of breast; Medulloblastoma; Familial prostate cancer; Wilms tumor 1; Fanconi anemia complementation group D1; Breast-ovarian cancer, familial, susceptibility to, 2; Glioma susceptibility 3; Pancreatic cancer, susceptibility to, 2. Last evaluated: 2024-04-16. Review status: criteria provided, single submitter. Criteria: ACMG Guidelines, 2015. Collection method: clinical testing. Allele origin: germline. Not counted in ClinVar's aggregate classification.

Baylor Genetics
Classification: Pathogenic for Familial cancer of breast. Last evaluated: 2024-03-24. Review status: criteria provided, single submitter. Criteria: ACMG Guidelines, 2015. Collection method: clinical testing. Allele origin: unknown. Not counted in ClinVar's aggregate classification.